The following is an entry in ClinVar:

NM_001080421.3(UNC13A):c.3346C>T (p.Leu1116Phe)

Gene: UNC13A (unc-13 homolog A; minus strand). Cytogenetic location: 19p13.11.
Variant type: single nucleotide variant.
Coding change: c.3346C>T on transcript NM_001080421.3 (MANE Select); coding-DNA position 3346, C replaced by T.
Protein change: p.Leu1116Phe; replaces leucine 1116 with phenylalanine.
Molecular consequence: missense variant.
Genome position (GRCh38, 1-based): chr19:17,632,864, G>A on the plus strand (C>T on the coding strand, the complement: UNC13A is on the minus strand). VCF-style: chr19-17632864-G-A. GRCh37 (hg19) VCF-style: chr19-17743673-G-A.
Other names: c.3340C>T, p.Leu1114Phe (NM_001387021.1, NM_001387022.1, NM_001387023.1); short protein forms L1114F, L1116F.
Identifiers: ClinVar variation 5009259 (VCV005009259.1).

ClinVar aggregate classification (germline): Uncertain significance (1 of 4 stars; one submission).

Submission:

GeneDx
Classification: Uncertain significance. Last evaluated: 2026-02-20. Review status: criteria provided, single submitter. Criteria: GeneDx Variant Classification Process June 2021. Collection method: clinical testing. Allele origin: germline.
Comment: Not observed at significant frequency in large population cohorts (gnomAD); In silico analysis supports that this missense variant has a deleterious effect on protein structure/function; Has not been previously published as pathogenic or benign to our knowledge